The following is an entry in ClinVar:

ClinVar aggregate classification (germline): Uncertain significance (1 of 4 stars; one submission).

Conditions:
Brugada syndrome. Also called: Sudden unexpected nocturnal death syndrome; Sudden unexplained nocturnal death syndrome; Sudden Unexplained Death Syndrome; Sudden Unexplained Nocturnal Death Syndrome (SUNDS). Identifiers: Orphanet 130, MedGen C1142166, MONDO:0015263.

Submission:

Labcorp Genetics (formerly Invitae), Labcorp
Classification: Uncertain significance for Brugada syndrome. Last evaluated: 2018-09-07. Review status: criteria provided, single submitter. Criteria: Invitae Variant Classification Sherloc (09022015). Collection method: clinical testing. Allele origin: germline.
Comment: Algorithms developed to predict the effect of missense changes on protein structure and function output the following: (SIFT: "Tolerated"; PolyPhen-2: "Benign"; Align-GVGD: "Class C0"). The alanine amino acid residue is found in multiple mammalian species, suggesting that this missense change does not adversely affect protein function. These predictions have not been confirmed by published functional studies. In summary, this variant is a novel missense change that is not predicted to affect protein function. There is no indication that it causes disease, but the available evidence is currently insufficient to prove that conclusively. Therefore, it has been classified as a Variant of Uncertain Significance. This variant is not present in population databases (ExAC no frequency) and has not been reported in the literature in individuals with a SCN10A-related disease. This sequence change replaces proline with alanine at codon 952 of the SCN10A protein (p.Pro952Ala). The proline residue is weakly conserved and there is a small physicochemical difference between proline and alanine.

NM_006514.4(SCN10A):c.2854C>G (p.Pro952Ala)

Genes: SCN10A (sodium voltage-gated channel alpha subunit 10; minus strand), LOC110121288 (VISTA enhancer hs2268; plus strand). Cytogenetic location: 3p22.2.
Variant type: single nucleotide variant.
Coding change: c.2854C>G on transcript NM_006514.4 (MANE Select); coding-DNA position 2854, C replaced by G.
Protein change: p.Pro952Ala; replaces proline 952 with alanine.
Molecular consequence: missense variant.
Genome position (GRCh38, 1-based): chr3:38,726,839, G>C on the plus strand (C>G on the coding strand, the complement: SCN10A is on the minus strand). VCF-style: chr3-38726839-G-C. GRCh37 (hg19) VCF-style: chr3-38768330-G-C.
Other names: c.2854C>G, p.Pro952Ala (NM_001293306.2); c.2560C>G, p.Pro854Ala (NM_001293307.2); short protein forms P952A, P854A.
Identifiers: ClinVar variation 407746 (VCV000407746.6), dbSNP rs370880796, ClinGen allele CA16611480.
Genomic context (GRCh38, chr3:38,726,839, plus strand): 5'-CAGAGCTCCCCCTGGCAGTGTTGGCAGCAATGTGGTTCTCAGCCTTGGAGCTGGAGAGTG[G>C]GAGTTTCACCACCAGCTCAGGCTCTGCCTTGGGCTGGGGGAATGGGCAGGACCTGCTGAA-3'
Protein context (NP_006505.4, residues 942-962): KAEPELVVKL[Pro952Ala]LSSSKAENHI